The following is an entry in ClinVar:

NM_020843.4(SCAPER):c.588T>C (p.Asn196=)

Gene: SCAPER (S-phase cyclin A associated protein in the ER; minus strand). Cytogenetic location: 15q24.3.
Variant type: single nucleotide variant.
Coding change: c.588T>C on transcript NM_020843.4 (MANE Select); coding-DNA position 588, T replaced by C.
Protein change: p.Asn196=; no amino-acid change (asparagine 196 retained).
Molecular consequence: synonymous variant. On other transcripts: 5 prime UTR variant (1), non-coding transcript variant (1).
Genome position (GRCh38, 1-based): chr15:76,800,271, A>G on the plus strand (T>C on the coding strand, the complement: SCAPER is on the minus strand). VCF-style: chr15-76800271-A-G. GRCh37 (hg19) VCF-style: chr15-77092612-A-G.
Other names: c.-310T>C (NM_001145923.2); c.588T>C, p.Asn196= (NM_001353009.2); c.186T>C, p.Asn62= (NM_001353010.2, NM_001353011.2, NM_001353012.2).
Identifiers: ClinVar variation 4986741 (VCV004986741.1).

ClinVar aggregate classification (germline): Likely benign (1 of 4 stars; one submission).

Conditions:
SCAPER-related disorder. Also called: SCAPER-related condition.

gnomAD v4.1: 3 of 1,612,106 alleles (0.00019%); highest among the groups gnomAD compares: African/African-American, 0.0013%; no homozygotes.

Submission:

PreventionGenetics, part of Exact Sciences
Classification: Likely benign for SCAPER-related condition. Last evaluated: 2025-07-06. Review status: criteria provided, single submitter. Criteria: ACMG Guidelines, 2015. Collection method: clinical testing. Allele origin: germline.
Comment: This variant is classified as likely benign based on ACMG/AMP sequence variant interpretation guidelines (Richards et al. 2015 PMID: 25741868, with internal and published modifications).